The following is an entry in ClinVar:

NM_020843.4(SCAPER):c.4041C>A (p.Phe1347Leu)

Gene: SCAPER (S-phase cyclin A associated protein in the ER; minus strand). Cytogenetic location: 15q24.3.
Variant type: single nucleotide variant.
Coding change: c.4041C>A on transcript NM_020843.4 (MANE Select); coding-DNA position 4041, C replaced by A.
Protein change: p.Phe1347Leu; replaces phenylalanine 1347 with leucine.
Molecular consequence: missense variant. On other transcripts: non-coding transcript variant (1).
Genome position (GRCh38, 1-based): chr15:76,353,955, G>T on the plus strand (C>A on the coding strand, the complement: SCAPER is on the minus strand). VCF-style: chr15-76353955-G-T. GRCh37 (hg19) VCF-style: chr15-76646296-G-T.
Other names: c.3303C>A, p.Phe1101Leu (NM_001145923.2); c.4059C>A, p.Phe1353Leu (NM_001353009.2); c.3639C>A, p.Phe1213Leu (NM_001353010.2, NM_001353012.2); c.3657C>A, p.Phe1219Leu (NM_001353011.2); c.4059C>A (NM_001353009.1); short protein forms F1213L, F1219L, F1101L, F1347L, F1353L.
Identifiers: ClinVar variation 4925915 (VCV004925915.2).
Genomic context (GRCh38, chr15:76,353,955, plus strand): 5'-TGTCGCATTAGTTTACACACAAAGCTAGACAATTACGTATAATGTAGAAGGTACCTGAAT[G>T]AAAGTGGCCAGTAAAACACAGCTCATCTCTTGCTCCAGAATGATCTTGTTCTGATGGTTG-3'
Protein context (NP_065894.2, residues 1337-1357): QEMSCVLLAT[Phe1347Leu]IQDLAQTPGQ

ClinVar aggregate classification (germline): Uncertain significance. Review status: criteria provided, multiple submitters, no conflicts (2 of 4 stars). 2 submissions from 2 submitters: Uncertain significance (2). Last evaluated 2025-11-18.

Conditions:
SCAPER-related disorder. Also called: SCAPER-related condition.

gnomAD v4.1: 17 of 1,566,774 alleles (0.0011%); highest among the groups gnomAD compares: Non-Finnish European, 0.0015%; 1 homozygote.

Submissions (2):

PreventionGenetics, part of Exact Sciences
Classification: Uncertain significance for SCAPER-related condition. Last evaluated: 2025-11-18. Review status: criteria provided, single submitter. Criteria: ACMG Guidelines, 2015. Collection method: clinical testing. Allele origin: germline.
Comment: The SCAPER c.4059C>A variant is predicted to result in the amino acid substitution p.Phe1353Leu. To our knowledge, this variant has not been reported in the literature. This variant is reported in 0.0017% of alleles in individuals of European (Non-Finnish) descent in gnomAD. At this time, the clinical significance of this variant is uncertain due to the absence of conclusive functional and genetic evidence.

Blueprint Genetics
Classification: Uncertain significance. Last evaluated: 2022-11-23. Review status: criteria provided, single submitter. Criteria: ACMG Guidelines, 2015. Collection method: clinical testing. Allele origin: germline.